The following is an entry in ClinVar:

NM_148919.4(PSMB8):c.337del (p.Leu113fs)

Gene: PSMB8 (proteasome 20S subunit beta 8; minus strand). Cytogenetic location: 6p21.32.
Variant type: Deletion.
Coding change: c.337del on transcript NM_148919.4 (MANE Select); coding-DNA position 337, one base deleted (C; older notation c.337delC).
Protein change: p.Leu113fs; shifts the reading frame from leucine 113.
Molecular consequence: frameshift variant.
Genome position (GRCh38, 1-based): chr6:32,842,742, G deleted on the plus strand (C on the coding strand, the reverse complement: PSMB8 is on the minus strand); the first of 2 consecutive G bases (chr6:32,842,742-32,842,743); deleting either gives the same sequence. VCF-style (leftmost placement, unchanged base first): chr6-32842741-AG-A. GRCh37 (hg19) VCF-style: chr6-32810518-AG-A.
Other names: c.325del, p.Leu109fs (NM_004159.5); short protein forms L113fs, L109fs.
Identifiers: ClinVar variation 3641579 (VCV003641579.2).

ClinVar aggregate classification (germline): Pathogenic (1 of 4 stars; one submission).

Conditions:
Proteosome-associated autoinflammatory syndrome. Also called: Proteasome-associated autoinflammatory syndrome. Identifiers: Orphanet 324977, MedGen C1850568, MONDO:0009726.

Submission:

Labcorp Genetics (formerly Invitae), Labcorp
Classification: Pathogenic for Proteosome-associated autoinflammatory syndrome. Last evaluated: 2024-02-17. Review status: criteria provided, single submitter. Criteria: Invitae Variant Classification Sherloc (09022015). Collection method: clinical testing. Allele origin: germline.
Comment: This sequence change creates a premature translational stop signal (p.Leu113Cysfs*46) in the PSMB8 gene. It is expected to result in an absent or disrupted protein product. Loss-of-function variants in PSMB8 are known to be pathogenic (PMID: 26524591). This variant is not present in population databases (gnomAD no frequency). This variant has not been reported in the literature in individuals affected with PSMB8-related conditions. For these reasons, this variant has been classified as Pathogenic.

Literature cited by the submitters: PubMed 26524591.